The following is an entry in ClinVar:

ClinVar aggregate classification (germline): Uncertain significance (1 of 4 stars; one submission).

Submission:

CeGaT Center for Human Genetics Tuebingen
Classification: Uncertain significance. Last evaluated: 2023-10-01. Review status: criteria provided, single submitter. Criteria: CeGaT Center For Human Genetics Tuebingen Variant Classification Criteria Version 2. Collection method: clinical testing. Allele origin: germline. Affected: yes. Observed: 1 variant allele.
Comment: FGFR3: PM2, PP3

NM_000142.5(FGFR3):c.1697T>C (p.Phe566Ser)

Gene: FGFR3 (fibroblast growth factor receptor 3; plus strand). Cytogenetic location: 4p16.3.
Variant type: single nucleotide variant.
Coding change: c.1697T>C on transcript NM_000142.5 (MANE Select); coding-DNA position 1697, T replaced by C.
Protein change: p.Phe566Ser; replaces phenylalanine 566 with serine.
Molecular consequence: missense variant. On other transcripts: non-coding transcript variant (1).
Genome position (GRCh38, 1-based): chr4:1,805,801, T>C. VCF-style: chr4-1805801-T-C. GRCh37 (hg19) VCF-style: chr4-1807528-T-C.
Other names: c.1703T>C, p.Phe568Ser (NM_001163213.2); c.1700T>C, p.Phe567Ser (NM_001354809.2, NM_001354810.2); c.1361T>C, p.Phe454Ser (NM_022965.4); short protein forms F454S, F566S, F567S, F568S.
Identifiers: ClinVar variation 2654578 (VCV002654578.24), dbSNP rs2546830190, ClinGen allele CA355981749.